The following is an entry in ClinVar:

ClinVar aggregate classification (germline): Uncertain significance (1 of 4 stars; one submission).

Submission:

Labcorp Genetics (formerly Invitae), Labcorp
Classification: Uncertain significance. Last evaluated: 2022-08-16. Review status: criteria provided, single submitter. Criteria: Invitae Variant Classification Sherloc (09022015). Collection method: clinical testing. Allele origin: germline.
Comment: In summary, the available evidence is currently insufficient to determine the role of this variant in disease. Therefore, it has been classified as a Variant of Uncertain Significance. Algorithms developed to predict the effect of missense changes on protein structure and function are either unavailable or do not agree on the potential impact of this missense change (SIFT: "Deleterious"; PolyPhen-2: "Benign"; Align-GVGD: "Class C55"). This variant has not been reported in the literature in individuals affected with MPDZ-related conditions. This variant is not present in population databases (gnomAD no frequency). This sequence change replaces lysine, which is basic and polar, with glutamic acid, which is acidic and polar, at codon 1734 of the MPDZ protein (p.Lys1734Glu).

NM_001378778.1(MPDZ):c.5200A>G (p.Lys1734Glu)

Gene: MPDZ (multiple PDZ domain crumbs cell polarity complex component; minus strand). Cytogenetic location: 9p23.
Variant type: single nucleotide variant.
Coding change: c.5200A>G on transcript NM_001378778.1 (MANE Select); coding-DNA position 5200, A replaced by G.
Protein change: p.Lys1734Glu; replaces lysine 1734 with glutamic acid.
Molecular consequence: missense variant.
Genome position (GRCh38, 1-based): chr9:13,121,770, T>C on the plus strand (A>G on the coding strand, the complement: MPDZ is on the minus strand). VCF-style: chr9-13121770-T-C. GRCh37 (hg19) VCF-style: chr9-13121769-T-C.
Other names: c.5101A>G, p.Lys1701Glu (NM_001375419.1, NM_001261406.2, NM_001261407.2 and 3 more transcripts); c.4990A>G, p.Lys1664Glu (NM_001375420.1, NM_001375421.1, NM_001375422.1 and 4 more transcripts); c.4792A>G, p.Lys1598Glu (NM_001375427.1); c.5200A>G, p.Lys1734Glu (NM_003829.5, NM_001330637.2); c.5299A>G, p.Lys1767Glu (NM_001375413.1); short protein forms K1767E, K1598E, K1734E, K1701E, K1664E.
Identifiers: ClinVar variation 2084483 (VCV002084483.4), dbSNP rs1944385265, ClinGen allele CA372944162.